The following is an entry in ClinVar:

ClinVar aggregate classification (germline): Uncertain significance. Review status: criteria provided, multiple submitters, no conflicts (2 of 4 stars). 2 submissions from 2 submitters: Uncertain significance (2). Last evaluated 2024-10-11.

Conditions:
Hereditary cancer-predisposing syndrome. Also called: Neoplastic Syndromes, Hereditary; Tumor predisposition; Hereditary Cancer Syndrome; Hereditary neoplastic syndrome. Identifiers: Orphanet 140162, MedGen C0027672, MeSH D009386, MONDO:0015356.
Hereditary breast ovarian cancer syndrome. Also called: Hereditary breast and ovarian cancer syndrome (HBOC); Hereditary breast and/or ovarian cancer syndrome; Hereditary breast and ovarian cancer; Hereditary breast and ovarian cancer syndrome; BRCA1- and BRCA2-Associated Hereditary Breast and Ovarian Cancer; Breast and ovarian cancer. Identifiers: Orphanet 145, MedGen C0677776, MeSH D061325, MONDO:0003582. Disease mechanism: loss of function.

Submissions (2):

Labcorp Genetics (formerly Invitae), Labcorp
Classification: Uncertain significance for Hereditary breast ovarian cancer syndrome. Last evaluated: 2024-10-11. Review status: criteria provided, single submitter. Criteria: Invitae Variant Classification Sherloc (09022015). Collection method: clinical testing. Allele origin: germline.
Comment: This sequence change replaces threonine, which is neutral and polar, with alanine, which is neutral and non-polar, at codon 2035 of the BRCA2 protein (p.Thr2035Ala). This variant is not present in population databases (gnomAD no frequency). This variant has not been reported in the literature in individuals affected with BRCA2-related conditions. Invitae Evidence Modeling of protein sequence and biophysical properties (such as structural, functional, and spatial information, amino acid conservation, physicochemical variation, residue mobility, and thermodynamic stability) indicates that this missense variant is not expected to disrupt BRCA2 protein function with a negative predictive value of 95%. In summary, the available evidence is currently insufficient to determine the role of this variant in disease. Therefore, it has been classified as a Variant of Uncertain Significance.

Color Diagnostics, LLC DBA Color Health
Classification: Uncertain significance for Hereditary cancer-predisposing syndrome. Last evaluated: 2023-09-18. Review status: criteria provided, single submitter. Criteria: ACMG Guidelines, 2015. Collection method: clinical testing. Allele origin: germline.
Comment: This missense variant replaces threonine with alanine at codon 2035 of the BRCA2 protein. Computational prediction suggests that this variant may not impact protein structure and function (internally defined REVEL score threshold <= 0.5, PMID: 27666373). To our knowledge, functional studies have not been reported for this variant. This variant has not been reported in individuals affected with BRCA2-related disorders in the literature. This variant has not been identified in the general population by the Genome Aggregation Database (gnomAD). The available evidence is insufficient to determine the role of this variant in disease conclusively. Therefore, this variant is classified as a Variant of Uncertain Significance.

NM_000059.4(BRCA2):c.6103A>G (p.Thr2035Ala)

Gene: BRCA2 (BRCA2 DNA repair associated; plus strand). Cytogenetic location: 13q13.1.
Variant type: single nucleotide variant.
Coding change: c.6103A>G on transcript NM_000059.4 (MANE Select); coding-DNA position 6103, A replaced by G.
Protein change: p.Thr2035Ala; replaces threonine 2035 with alanine.
Molecular consequence: missense variant. On other transcripts: non-coding transcript variant (1), intron variant (2).
Genome position (GRCh38, 1-based): chr13:32,340,458, A>G. VCF-style: chr13-32340458-A-G. GRCh37 (hg19) VCF-style: chr13-32914595-A-G.
Other names: c.6103A>G, p.Thr2035Ala (NM_001406719.1, NM_001406720.1); c.1910-4100A>G (NM_001406721.1); c.425-4100A>G (NM_001406722.1); short protein forms T2035A.
Identifiers: ClinVar variation 2774929 (VCV002774929.4), dbSNP rs2137524324, ClinGen allele CA387788099.